The following is an entry in ClinVar:

NM_000271.5(NPC1):c.811_812del (p.Ile271fs)

Gene: NPC1 (NPC intracellular cholesterol transporter 1; minus strand). Cytogenetic location: 18q11.2.
Variant type: Deletion.
Coding change: c.811_812del on transcript NM_000271.5 (MANE Select); coding-DNA positions 811 to 812, 2 bases deleted (AT; older notation c.811_812delAT).
Protein change: p.Ile271fs; shifts the reading frame from isoleucine 271.
Molecular consequence: frameshift variant.
Genome position (GRCh38, 1-based): chr18:23,560,300-23,560,301, AT deleted on the plus strand (AT on the coding strand, the reverse complement: NPC1 is on the minus strand). VCF-style (leftmost placement, unchanged base first): chr18-23560299-GAT-G. GRCh37 (hg19) VCF-style: chr18-21140263-GAT-G.
Other names: short protein forms I271fs.
Identifiers: ClinVar variation 5014168 (VCV005014168.1).

ClinVar aggregate classification (germline): Pathogenic (1 of 4 stars; one submission).

Conditions:
Niemann-Pick disease, type C1. Also called: NEUROVISCERAL STORAGE DISEASE WITH VERTICAL SUPRANUCLEAR OPHTHALMOPLEGIA; NIEMANN-PICK DISEASE WITH CHOLESTEROL ESTERIFICATION BLOCK; NIEMANN-PICK DISEASE WITHOUT SPHINGOMYELINASE DEFICIENCY; NIEMANN-PICK DISEASE, CHRONIC NEURONOPATHIC FORM; NIEMANN-PICK DISEASE, VARIANT TYPE C1. Identifiers: Orphanet 646, MedGen C3179455, MONDO:0009757, OMIM 257220.

Submission:

Myriad Genetics, Inc.
Classification: Pathogenic for Niemann-Pick disease, type C1. Last evaluated: 2025-03-02. Review status: criteria provided, single submitter. Criteria: Myriad Autosomal Dominant, Autosomal Recessive and X-Linked Classification Criteria (2023). Collection method: clinical testing. Allele origin: unknown.
Comment: NM_000271.4(NPC1):c.811_812delAT(I271Hfs*36) is expected to be pathogenic in the context of Niemann-Pick disease type C1. This variant is predicted to lead to an abnormal or absent protein product due to the creation of a premature termination codon in NPC1, a gene where loss-of-function variants are known to be pathogenic. Please note: this variant was assessed in the context of healthy population screening.